The following is an entry in ClinVar:

NM_001042492.3(NF1):c.1722-3C>A

Gene: NF1 (neurofibromin 1; plus strand). Cytogenetic location: 17q11.2.
Variant type: single nucleotide variant.
Coding change: c.1722-3C>A on transcript NM_001042492.3 (MANE Select); 3 bases into the intron before coding-DNA position 1722, C replaced by A.
Molecular consequence: intron variant.
Genome position (GRCh38, 1-based): chr17:31,223,441, C>A. VCF-style: chr17-31223441-C-A. GRCh37 (hg19) VCF-style: chr17-29550459-C-A.
Other names: c.1722-3C>A (NM_000267.4).
Identifiers: ClinVar variation 816764 (VCV000816764.7), dbSNP rs770211384, ClinGen allele CA915949731.

ClinVar aggregate classification (germline): Pathogenic/Likely pathogenic. Review status: criteria provided, multiple submitters, no conflicts (2 of 4 stars). 4 submissions from 4 submitters: Pathogenic (2); Likely pathogenic (2). Last evaluated 2024-11-11.

Conditions:
Hereditary cancer-predisposing syndrome. Also called: Hereditary Cancer Syndrome; Neoplastic Syndromes, Hereditary; Hereditary neoplastic syndrome; Tumor predisposition. Identifiers: Orphanet 140162, MedGen C0027672, MeSH D009386, MONDO:0015356.
Cardiovascular phenotype. Identifiers: MedGen CN230736.
Neurofibromatosis, type 1 (NF1). Also called: Peripheral type neurofibromatosis; Neurofibromatosis, type I; NEUROFIBROMATOSIS, TYPE I, SOMATIC; VON RECKLINGHAUSEN DISEASE. Identifiers: Orphanet 636, MedGen C0027831, MONDO:0018975, OMIM 162200. Disease mechanism: loss of function.

Submissions (4):

Labcorp Genetics (formerly Invitae), Labcorp
Classification: Likely pathogenic for Neurofibromatosis, type 1. Last evaluated: 2024-11-11. Review status: criteria provided, single submitter. Criteria: Invitae Variant Classification Sherloc (09022015). Collection method: clinical testing. Allele origin: germline.
Comment: This sequence change falls in intron 15 of the NF1 gene. It does not directly change the encoded amino acid sequence of the NF1 protein. RNA analysis indicates that this variant induces altered splicing and may result in an absent or altered protein product. This variant is not present in population databases (gnomAD no frequency). This variant has been observed in individual(s) with neurofibromatosis type 1 (PMID: 30308447). ClinVar contains an entry for this variant (Variation ID: 816764). Variants that disrupt the consensus splice site are a relatively common cause of aberrant splicing (PMID: 17576681, 9536098). Studies have shown that this variant results in activation of a cryptic splice site, and produces a non-functional protein and/or introduces a premature termination codon (PMID: 32126153). This variant disrupts the c.1722-3C nucleotide in the NF1 gene. Other variant(s) that disrupt this nucleotide have been determined to be pathogenic (PMID: 10607834; internal data). This suggests that this nucleotide is clinically significant, and that variants that disrupt this position are likely to be disease-causing. In summary, the currently available evidence indicates that the variant is pathogenic, but additional data are needed to prove that conclusively. Therefore, this variant has been classified as Likely Pathogenic.

Ambry Genetics
Classification: Pathogenic for Cardiovascular phenotype; Hereditary cancer-predisposing syndrome. Last evaluated: 2024-10-28. Review status: criteria provided, single submitter. Criteria: Ambry Variant Classification Scheme 2023. Collection method: clinical testing. Allele origin: germline.
Comment: The c.1722-3C>A intronic variant results from a C to A substitution 3 nucleotides upstream from coding exon 16 in the NF1 gene. This variant was reported in multiple individuals with features consistent with neurofibromatosis type 1; it was reported to be de novo in at least on individual (Tsipi M et al. J Neurol Sci, 2018 Dec;395:95-105; Wimmer K et al. Hum Mutat, 2020 Jun;41:1145-1156; Ambry internal data). RNA studies have demonstrated that this alteration results in abnormal splicing (Wimmer K et al. Hum Mutat, 2020 Jun;41:1145-1156; Ambry internal data). This nucleotide position is highly conserved in available vertebrate species. In silico splice site analysis predicts that this alteration will weaken the native splice acceptor site and may result in the creation or strengthening of a novel splice acceptor site. This variant is considered to be rare based on population cohorts in the Genome Aggregation Database (gnomAD). Based on the supporting evidence, this variant is interpreted as a disease-causing mutation.

Institute of Medical Genetics and Applied Genomics, University Hospital Tübingen
Classification: Likely pathogenic for Neurofibromatosis, type 1. Last evaluated: 2024-04-16. Review status: criteria provided, single submitter. Criteria: ACMG Guidelines, 2015. Collection method: clinical testing. Allele origin: germline. Inheritance: Autosomal dominant inheritance. Affected: yes.

UAB Medical Genomics Laboratory, UAB Medicine
Classification: Pathogenic for Neurofibromatosis, type 1. Last evaluated: 2020-01-20. Review status: criteria provided, single submitter. Criteria: ACMG Guidelines, 2015. Collection method: clinical testing. Allele origin: germline. Affected: yes.

Literature cited by the submitters: PubMed 30308447 (cited by Labcorp Genetics (formerly Invitae), Labcorp and Ambry Genetics); PubMed 17576681 (cited by Labcorp Genetics (formerly Invitae), Labcorp); PubMed 9536098 (cited by Labcorp Genetics (formerly Invitae), Labcorp); PubMed 32126153 (cited by 3 submitters); PubMed 10607834 (cited by Labcorp Genetics (formerly Invitae), Labcorp).